The following is an entry in ClinVar:

ClinVar aggregate classification (germline): Uncertain significance (1 of 4 stars; one submission).

Submission:

Dasa
Classification: Uncertain significance. Last evaluated: 2026-04-26. Review status: criteria provided, single submitter. Criteria: DASA Assertion Criteria. Collection method: clinical testing. Allele origin: germline.
Comment: NM_001036.6(RYR3):c.11708C>A (p.Ser3903Tyr) is a missense variant that results in the substitution of serine with tyrosine. This variant is rare in population databases. The currently available literature and clinical evidence are not sufficient to establish a definitive association between this variant and the reported condition. Therefore, this variant is classified as a variant of uncertain significance.

NM_001036.6(RYR3):c.11708C>A (p.Ser3903Tyr)

Gene: RYR3 (ryanodine receptor 3; plus strand). Cytogenetic location: 15q14.
Variant type: single nucleotide variant.
Coding change: c.11708C>A on transcript NM_001036.6 (MANE Select); coding-DNA position 11708, C replaced by A.
Protein change: p.Ser3903Tyr; replaces serine 3903 with tyrosine.
Molecular consequence: missense variant.
Genome position (GRCh38, 1-based): chr15:33,837,688, C>A. VCF-style: chr15-33837688-C-A. GRCh37 (hg19) VCF-style: chr15-34129889-C-A.
Other names: c.11693C>A, p.Ser3898Tyr (NM_001243996.4); short protein forms S3898Y, S3903Y.
Identifiers: ClinVar variation 4883106 (VCV004883106.2).
Genomic context (GRCh38, chr15:33,837,688, plus strand): 5'-CAGGGAATGTGGTAAATGGCACCATTGGCAAGCAGATGGTTGACACACTGGTAGAATCAT[C>A]TACCAATGTAGAAATGATCTTGAAATTCTTTGACATGTTCTTGAAACTTAAAGACTTAAC-3'
Protein context (NP_001027.3, residues 3893-3913): KQMVDTLVES[Ser3903Tyr]TNVEMILKFF